The following is an entry in ClinVar:

ClinVar aggregate classification (germline): Uncertain significance. Review status: criteria provided, multiple submitters, no conflicts (2 of 4 stars). 2 submissions from 2 submitters: Uncertain significance (2). Last evaluated 2025-09-02.

Conditions:
Emery-Dreifuss muscular dystrophy (EDMD). Also called: Scapuloperoneal syndrome, X-linked (formerly); Humeroperoneal neuromuscular disease, (formerly). Identifiers: Orphanet 261, MedGen C0410189, MONDO:0016830.

Allele frequency attached by ClinVar (database versions not stated): ExAC 0.00001; gnomAD exomes 0.00002 and 0.00003; gnomAD 0.00003 and 0.00004; TOPMed 0.00003.
gnomAD v4.1: 52 of 1,612,710 alleles (0.0032%); highest among the groups gnomAD compares: Middle Eastern, 0.033%; no homozygotes.

Submissions (2):

Labcorp Genetics (formerly Invitae), Labcorp
Classification: Uncertain significance for Emery-Dreifuss muscular dystrophy. Last evaluated: 2025-09-02. Review status: criteria provided, single submitter. Criteria: Invitae Variant Classification Sherloc (09022015). Collection method: clinical testing. Allele origin: germline.
Comment: This sequence change replaces leucine, which is neutral and non-polar, with histidine, which is basic and polar, at codon 465 of the SUN2 protein (p.Leu465His). This variant is present in population databases (rs751880061, gnomAD 0.004%). This variant has not been reported in the literature in individuals affected with SUN2-related conditions. ClinVar contains an entry for this variant (Variation ID: 836424). An algorithm developed to predict the effect of missense changes on protein structure and function (PolyPhen-2) suggests that this variant is likely to be disruptive. In summary, the available evidence is currently insufficient to determine the role of this variant in disease. Therefore, it has been classified as a Variant of Uncertain Significance.

Breakthrough Genomics
Classification: Uncertain significance. Review status: criteria provided, single submitter. Criteria: ACMG Guidelines, 2015. Collection method: not provided. Allele origin: germline. Inheritance: Autosomal dominant inheritance. Affected: yes.

NM_015374.3(SUN2):c.1394T>A (p.Leu465His)

Genes: GTPBP1 (GTP binding protein 1; plus strand), SUN2 (Sad1 and UNC84 domain containing 2; minus strand). Cytogenetic location: 22q13.1.
Variant type: single nucleotide variant.
Coding change: c.1394T>A on transcript NM_015374.3 (MANE Select); coding-DNA position 1394, T replaced by A.
Protein change: p.Leu465His; replaces leucine 465 with histidine.
Molecular consequence: missense variant.
Genome position (GRCh38, 1-based): chr22:38,739,906, A>T on the plus strand (T>A on the coding strand, the complement: SUN2 is on the minus strand). VCF-style: chr22-38739906-A-T. GRCh37 (hg19) VCF-style: chr22-39135911-A-T.
Other names: c.1457T>A, p.Leu486His (NM_001199579.2); c.1394T>A, p.Leu465His (NM_001199580.2); short protein forms L465H, L486H.
Identifiers: ClinVar variation 836424 (VCV000836424.10), dbSNP rs751880061, ClinGen allele CA10235561.